The following is an entry in ClinVar:

ClinVar aggregate classification (germline): not provided. Review status: no classification provided (0 of 4 stars). 2 submissions from 1 submitter: not provided (1). 1 of the submissions does not count toward it.

Conditions:
Tuberous sclerosis syndrome (TSC). Also called: Tuberous Sclerosis Complex; Tuberous sclerosis. Identifiers: Orphanet 805, MedGen C0041341, MONDO:0001734.

Submissions (2):

Tuberous sclerosis database (TSC2)
No classification provided. Condition: TSC. Review status: no classification provided. Criteria: Tuberous Sclerosis Database Assertion Criteria 2015. Collection method: curation. Allele origin: germline. Affected: yes.

Tuberous sclerosis database (TSC2)
No classification provided. Condition: TSC. Review status: flagged submission. Criteria: Tuberous Sclerosis Database Assertion Criteria 2015. Collection method: curation. Allele origin: germline. Affected: yes. Not counted in ClinVar's aggregate classification.
ClinVar note: Reason: This record appears to be redundant with a more recent record from the same submitter.
ClinVar note: Notes: SCV000066543 appears to be redundant with SCV000066953.

NM_000548.5(TSC2):c.4424_4428del (p.Val1475fs)

Gene: TSC2 (TSC complex subunit 2; plus strand). Cytogenetic location: 16p13.3.
Variant type: Deletion.
Coding change: c.4424_4428del on transcript NM_000548.5 (MANE Select); coding-DNA positions 4424 to 4428, 5 bases deleted (TAGAG; older notation c.4424_4428delTAGAG).
Protein change: p.Val1475fs; shifts the reading frame from valine 1475.
Molecular consequence: frameshift variant.
Genome position (GRCh38, 1-based): chr16:2,084,646-2,084,650, TAGAG deleted; deleting any 5 consecutive bases within chr16:2,084,642-2,084,650 gives the same sequence; the c. name uses the placement nearest the transcript's 3' end. VCF-style (leftmost placement, unchanged base first): chr16-2084641-GAGAGT-G. GRCh37 (hg19) VCF-style: chr16-2134642-GAGAGT-G.
Other names: c.4223_4227del, p.Val1408fs (NM_001077183.3); c.4355_4359del, p.Val1452fs (NM_001114382.3); c.4115_4119del, p.Val1372fs (NM_001318827.2); c.4079_4083del, p.Val1360fs (NM_001318829.2); c.3692_3696del, p.Val1231fs (NM_001318831.2); c.4256_4260del, p.Val1419fs (NM_001318832.2); c.4226_4230del, p.Val1409fs (NM_001363528.2); c.4292_4296del, p.Val1431fs (NM_001370404.1); and 1 more; short protein forms V1360fs, V1432fs, V1452fs, V1475fs, V1231fs, V1431fs, V1408fs, V1409fs.
Identifiers: ClinVar variation 49488 (VCV000049488.2), dbSNP rs137854293, ClinGen allele CA020424.